The following is an entry in ClinVar:

ClinVar aggregate classification (germline): Uncertain significance (1 of 4 stars; one submission).

Submission:

GeneDx
Classification: Uncertain significance. Last evaluated: 2022-07-07. Review status: criteria provided, single submitter. Criteria: GeneDx Variant Classification Process June 2021. Collection method: clinical testing. Allele origin: germline. Affected: yes.
Comment: Not observed at significant frequency in large population cohorts (gnomAD); In silico analysis supports that this missense variant does not alter protein structure/function; Has not been previously published as pathogenic or benign to our knowledge

NM_001039141.3(TRIOBP):c.2638C>T (p.Pro880Ser)

Gene: TRIOBP (TRIO and F-actin binding protein; plus strand). Cytogenetic location: 22q13.1.
Variant type: single nucleotide variant.
Coding change: c.2638C>T on transcript NM_001039141.3 (MANE Select); coding-DNA position 2638, C replaced by T.
Protein change: p.Pro880Ser; replaces proline 880 with serine.
Molecular consequence: missense variant.
Genome position (GRCh38, 1-based): chr22:37,725,194, C>T. VCF-style: chr22-37725194-C-T. GRCh37 (hg19) VCF-style: chr22-38121201-C-T.
Other names: short protein forms P880S.
Identifiers: ClinVar variation 1810739 (VCV001810739.1), dbSNP rs2518175086, ClinGen allele CA411471274.
Genomic context (GRCh38, chr22:37,725,194, plus strand): 5'-CAACGAGACAACCCTGGAACCTCCTCATCTCAATGCTGCACCCAAAAGGAGAATCTGAGA[C>T]CATCATCTCCCCACCGCTCCACTCAATGGAACAATCCCAGGAATTCATCTCCCCATCGTA-3'
Protein context (NP_001034230.1, residues 870-890): QCCTQKENLR[Pro880Ser]SSPHRSTQWN